The following is an entry in ClinVar:

NM_001009999.3(KDM1A):c.411AGA[2] (p.Glu140del)

Gene: KDM1A (lysine demethylase 1A; plus strand). Cytogenetic location: 1p36.12.
Variant type: Microsatellite.
Coding change: c.411AGA[2] on transcript NM_001009999.3 (MANE Select); two copies in a row of the 3-base unit AGA starting at c.411; the reference has three copies in a row; one copy, 3 bases deleted; also written c.417_419del.
Protein change: p.Glu140del; deletes glutamic acid 140.
Molecular consequence: inframe deletion.
Genome position (GRCh38, 1-based): chr1:23,030,534-23,030,536, AGA deleted; deleting any 3 consecutive bases within chr1:23,030,528-23,030,536 gives the same sequence; the position shown is the placement nearest the transcript's 3' end. VCF-style (leftmost placement, unchanged base first): chr1-23030527-CAGA-C. GRCh37 (hg19) VCF-style: chr1-23357020-CAGA-C.
Other names: c.411AGA[2], p.Glu140del (NM_001363654.2, NM_015013.4); c.417_419delAGA (NM_001009999.2); c.417_419del (NM_001009999.2); short protein forms E140del.
Identifiers: ClinVar variation 985659 (VCV000985659.4), dbSNP rs1641950789, ClinGen allele CA999539317.
Genomic context (GRCh38, chr1:23,030,527, plus strand): 5'-AGGTAGAGTACAGAGAGATGGATGAAAGCTTGGCCAACCTCTCAGAAGATGAGTATTATT[CAGA>C]AGAAGAGAGAAATGCCAAAGCAGAGAAGGAAAAGAAGCTTCCCCCACCACCCCCTCAAGC-3'

ClinVar aggregate classification (germline): Uncertain significance. Review status: criteria provided, multiple submitters, no conflicts (2 of 4 stars). 2 submissions from 2 submitters: Uncertain significance (2). Last evaluated 2024-11-17.

Conditions:
Inborn genetic diseases. Identifiers: MedGen C0950123, MeSH D030342.

Submissions (2):

GeneDx
Classification: Uncertain significance. Last evaluated: 2024-11-17. Review status: criteria provided, single submitter. Criteria: GeneDx Variant Classification Process June 2021. Collection method: clinical testing. Allele origin: germline. Affected: yes.
Comment: Not observed at significant frequency in large population cohorts (gnomAD); In-frame deletion of 1 amino acid in a non-repeat region; In silico analysis supports a deleterious effect on protein structure/function; Has not been previously published as pathogenic or benign to our knowledge

Ambry Genetics
Classification: Uncertain significance for Inborn genetic diseases. Last evaluated: 2019-09-18. Review status: criteria provided, single submitter. Criteria: Ambry exome assertion method (8-5-2015). Collection method: clinical testing. Allele origin: germline. Affected: yes. Observed: 1 variant allele.